The following is an entry in ClinVar:

NM_001035.3(RYR2):c.8210T>A (p.Leu2737Ter)

Gene: RYR2 (ryanodine receptor 2; plus strand). Cytogenetic location: 1q43.
Variant type: single nucleotide variant.
Coding change: c.8210T>A on transcript NM_001035.3 (MANE Select); coding-DNA position 8210, T replaced by A.
Protein change: p.Leu2737Ter; replaces leucine 2737 with a stop codon.
Molecular consequence: nonsense.
Genome position (GRCh38, 1-based): chr1:237,659,986, T>A. VCF-style: chr1-237659986-T-A. GRCh37 (hg19) VCF-style: chr1-237823286-T-A.
Other names: short protein forms L2737*.
Identifiers: ClinVar variation 2021419 (VCV002021419.4), dbSNP rs2547113832, ClinGen allele CA345401308.

ClinVar aggregate classification (germline): Uncertain significance (1 of 4 stars; one submission).

Conditions:
Catecholaminergic polymorphic ventricular tachycardia 1. Also called: VENTRICULAR TACHYCARDIA, CATECHOLAMINERGIC POLYMORPHIC, 1, WITH OR WITHOUT ATRIAL DYSFUNCTION AND/OR DILATED CARDIOMYOPATHY; RYR2-Related Catecholaminergic Polymorphic Ventricular Tachycardia; VENTRICULAR TACHYCARDIA, STRESS-INDUCED POLYMORPHIC 1. Identifiers: Orphanet 3286, MedGen C1631597, MONDO:0011484, OMIM 604772.

Submission:

Labcorp Genetics (formerly Invitae), Labcorp
Classification: Uncertain significance for Catecholaminergic polymorphic ventricular tachycardia 1. Last evaluated: 2022-08-04. Review status: criteria provided, single submitter. Criteria: Invitae Variant Classification Sherloc (09022015). Collection method: clinical testing. Allele origin: germline.
Comment: In summary, the available evidence is currently insufficient to determine the role of this variant in disease. Therefore, it has been classified as a Variant of Uncertain Significance. Algorithms developed to predict the effect of sequence changes on RNA splicing suggest that this variant may create or strengthen a splice site. This variant has not been reported in the literature in individuals affected with RYR2-related conditions. This variant is not present in population databases (gnomAD no frequency). This sequence change creates a premature translational stop signal (p.Leu2737*) in the RYR2 gene. It is expected to result in an absent or disrupted protein product. However, the current clinical and genetic evidence is not sufficient to establish whether loss-of-function variants in RYR2 cause disease.